The following is an entry in ClinVar:

NM_032383.5(HPS3):c.2433dup (p.Lys812Ter)

Genes: CP (ceruloplasmin; minus strand), HPS3 (HPS3 biogenesis of lysosomal organelles complex 2 subunit 1; plus strand). Cytogenetic location: 3q24.
Variant type: Duplication.
Coding change: c.2433dup on transcript NM_032383.5 (MANE Select); coding-DNA position 2433, one base duplicated (T; older notation c.2433dupT).
Protein change: p.Lys812Ter; replaces lysine 812 with a stop codon.
Molecular consequence: nonsense. On other transcripts: non-coding transcript variant (1).
Genome position (GRCh38, 1-based): chr3:149,162,830, T duplicated. VCF-style (leftmost placement, unchanged base first): chr3-149162829-C-CT. GRCh37 (hg19) VCF-style: chr3-148880616-C-CT.
Other names: c.1938dup, p.Lys647Ter (NM_001308258.2); short protein forms K812*, K647*.
Identifiers: ClinVar variation 2789971 (VCV002789971.3), dbSNP rs2473124521, ClinGen allele CA2577932212.

ClinVar aggregate classification (germline): Pathogenic (1 of 4 stars; one submission).

Submission:

Labcorp Genetics (formerly Invitae), Labcorp
Classification: Pathogenic. Last evaluated: 2023-09-15. Review status: criteria provided, single submitter. Criteria: Invitae Variant Classification Sherloc (09022015). Collection method: clinical testing. Allele origin: germline.
Comment: For these reasons, this variant has been classified as Pathogenic. This variant has not been reported in the literature in individuals affected with HPS3-related conditions. This variant is not present in population databases (gnomAD no frequency). This sequence change creates a premature translational stop signal (p.Lys812*) in the HPS3 gene. It is expected to result in an absent or disrupted protein product. Loss-of-function variants in HPS3 are known to be pathogenic (PMID: 11590544).

Literature cited by the submitters: PubMed 11590544.